The following is an entry in ClinVar:

NM_002444.3(MSN):c.1678C>T (p.Arg560Cys)

Gene: MSN (moesin; plus strand). Cytogenetic location: Xq12.
Variant type: single nucleotide variant.
Coding change: c.1678C>T on transcript NM_002444.3 (MANE Select); coding-DNA position 1678, C replaced by T.
Protein change: p.Arg560Cys; replaces arginine 560 with cysteine.
Molecular consequence: missense variant.
Genome position (GRCh38, 1-based): chrX:65,739,837, C>T. VCF-style: chrX-65739837-C-T. GRCh37 (hg19) VCF-style: chrX-64959699-C-T.
Other names: short protein forms R560C.
Identifiers: ClinVar variation 1375455 (VCV001375455.6), dbSNP rs1417887388, ClinGen allele CA413414826.

ClinVar aggregate classification (germline): Uncertain significance (1 of 4 stars; one submission).

Allele frequency attached by ClinVar (database versions not stated): gnomAD exomes below 0.00001; TOPMed 0.00001.
gnomAD v4.1: 1 of 1,210,897 alleles (0.000083%); highest among the groups gnomAD compares: Non-Finnish European, 0.00011%; no homozygotes.

Submission:

Labcorp Genetics (formerly Invitae), Labcorp
Classification: Uncertain significance. Last evaluated: 2025-08-03. Review status: criteria provided, single submitter. Criteria: Invitae Variant Classification Sherloc (09022015). Collection method: clinical testing. Allele origin: germline.
Comment: This sequence change replaces arginine, which is basic and polar, with cysteine, which is neutral and slightly polar, at codon 560 of the MSN protein (p.Arg560Cys). This variant is not present in population databases (gnomAD no frequency). This variant has not been reported in the literature in individuals affected with MSN-related conditions. ClinVar contains an entry for this variant (Variation ID: 1375455). An algorithm developed to predict the effect of missense changes on protein structure and function (PolyPhen-2) suggests that this variant is likely to be disruptive. In summary, the available evidence is currently insufficient to determine the role of this variant in disease. Therefore, it has been classified as a Variant of Uncertain Significance.